The following is an entry in ClinVar:

NC_000023.10:g.(?_41379673)_(41530803_?)dup

Gene: CASK (calcium/calmodulin dependent serine protein kinase; minus strand). Cytogenetic location: Xp11.4.
Variant type: Duplication.
Identifiers: ClinVar variation 3245384 (VCV003245384.1).

ClinVar aggregate classification (germline): Uncertain significance (1 of 4 stars; one submission).

Conditions:
Intellectual disability, CASK-related, X-linked. Identifiers: MedGen CN043158.

Submission:

Labcorp Genetics (formerly Invitae), Labcorp
Classification: Uncertain significance for Intellectual disability, CASK-related, X-linked. Last evaluated: 2023-11-13. Review status: criteria provided, single submitter. Criteria: Invitae Variant Classification Sherloc (09022015). Collection method: clinical testing. Allele origin: unknown.
Comment: This variant results in a copy number gain of the genomic region encompassing exon(s) 6-27 of the CASK gene. This region includes the termination codon of the gene. This copy number gain extends beyond the assayed region for this gene and therefore may encompass additional genes. As the precise location of this event is unknown, it may be in tandem or it may be located elsewhere in the genome. This variant has not been reported in the literature in individuals affected with CASK-related conditions. In summary, the available evidence is currently insufficient to determine the role of this variant in disease. Therefore, it has been classified as a Variant of Uncertain Significance.